The following is an entry in ClinVar:

ClinVar aggregate classification (germline): Pathogenic (1 of 4 stars; one submission).

Conditions:
Pallister-Hall syndrome (PHS). Also called: HYPOTHALAMIC HAMARTOBLASTOMA, HYPOPITUITARISM, IMPERFORATE ANUS, AND POSTAXIAL POLYDACTYLY; GLI3-Related Pallister-Hall Syndrome. Identifiers: Orphanet 672, MedGen C0265220, MONDO:0007804, OMIM 146510.
Greig cephalopolysyndactyly syndrome (GCPS). Also called: POLYSYNDACTYLY WITH PECULIAR SKULL SHAPE; GLI3-Related Greig Cephalopolysyndactyly Syndrome; Greig syndrome. Identifiers: Orphanet 380, MedGen C0265306, MONDO:0008287, OMIM 175700.

Submission:

Labcorp Genetics (formerly Invitae), Labcorp
Classification: Pathogenic for Pallister-Hall syndrome; Greig cephalopolysyndactyly syndrome. Last evaluated: 2020-03-26. Review status: criteria provided, single submitter. Criteria: Invitae Variant Classification Sherloc (09022015). Collection method: clinical testing. Allele origin: germline.
Comment: This variant has not been reported in the literature in individuals with GLI3-related conditions. This sequence change results in a premature translational stop signal in the GLI3 gene (p.Val1122Alafs*6). While this is not anticipated to result in nonsense mediated decay, it is expected to disrupt the last 459 amino acids of the GLI3 protein. This variant is not present in population databases (ExAC no frequency). This variant disrupts the C-terminus of the GLI3 protein. Other variant(s) that disrupt this region (p.Thr1488Lysfs*23) have been determined to be pathogenic (PMID: 24736735). This suggests that variants that disrupt this region of the protein are likely to be causative of disease. For these reasons, this variant has been classified as Pathogenic.

Literature cited by the submitters: PubMed 24736735.

NM_000168.6(GLI3):c.3365_3366del (p.Val1122fs)

Gene: GLI3 (GLI family zinc finger 3; minus strand). Cytogenetic location: 7p14.1.
Variant type: Deletion.
Coding change: c.3365_3366del on transcript NM_000168.6 (MANE Select); coding-DNA positions 3365 to 3366, 2 bases deleted (TG; older notation c.3365_3366delTG).
Protein change: p.Val1122fs; shifts the reading frame from valine 1122.
Molecular consequence: frameshift variant.
Genome position (GRCh38, 1-based): chr7:41,965,707-41,965,708, CA deleted on the plus strand (TG on the coding strand, the reverse complement: GLI3 is on the minus strand); deleting any 2 consecutive bases within chr7:41,965,707-41,965,709 gives the same sequence; the c. name uses the placement nearest the transcript's 3' end. VCF-style (leftmost placement, unchanged base first): chr7-41965706-GCA-G. GRCh37 (hg19) VCF-style: chr7-42005304-GCA-G.
Other names: short protein forms V1122fs.
Identifiers: ClinVar variation 1075151 (VCV001075151.9), dbSNP rs2128705693, ClinGen allele CA2499218885.